The following is an entry in ClinVar:

NM_004168.4(SDHA):c.1832A>G (p.Gln611Arg)

Gene: SDHA (succinate dehydrogenase complex flavoprotein subunit A; plus strand). Cytogenetic location: 5p15.33.
Variant type: single nucleotide variant.
Coding change: c.1832A>G on transcript NM_004168.4 (MANE Select); coding-DNA position 1832, A replaced by G.
Protein change: p.Gln611Arg; replaces glutamine 611 with arginine.
Molecular consequence: missense variant.
Genome position (GRCh38, 1-based): chr5:254,430, A>G. VCF-style: chr5-254430-A-G. GRCh37 (hg19) VCF-style: chr5-254545-A-G.
Other names: c.1832A>G (NM_004168.2); c.1688A>G, p.Gln563Arg (NM_001294332.2); c.1589A>G, p.Gln530Arg (NM_001330758.2); short protein forms Q530R, Q611R, Q563R.
Identifiers: ClinVar variation 1044601 (VCV001044601.10), dbSNP rs1737046877, ClinGen allele CA359001835.
Genomic context (GRCh38, chr5:254,430, plus strand): 5'-CGTGATGGTGTTTCTGGCCTCAGGTGCGGATTGATGAGTACGATTACTCCAAGCCCATCC[A>G]GGGGCAACAGAAGAAGCCCTTTGAGGAGCACTGGAGGAAGCACACCCTGTCCTATGTGGA-3'
Protein context (NP_004159.2, residues 601-621): IDEYDYSKPI[Gln611Arg]GQQKKPFEEH

ClinVar aggregate classification (germline): Uncertain significance. Review status: criteria provided, multiple submitters, no conflicts (2 of 4 stars). 2 submissions from 2 submitters: Uncertain significance (2). Last evaluated 2024-05-23.

Conditions:
Hereditary cancer-predisposing syndrome. Also called: Tumor predisposition; Hereditary neoplastic syndrome; Neoplastic Syndromes, Hereditary; Hereditary Cancer Syndrome. Identifiers: Orphanet 140162, MedGen C0027672, MeSH D009386, MONDO:0015356.
Mitochondrial complex II deficiency, nuclear type 1. Also called: SUCCINATE CoQ REDUCTASE DEFICIENCY. Identifiers: Orphanet 3208, MedGen C5700310, MONDO:0100294, OMIM 252011.
Pheochromocytoma/paraganglioma syndrome 5. Also called: Paragangliomas 5; SDHA-Related Hereditary Paraganglioma-Pheochromocytoma Syndrome. Identifiers: Orphanet 29072, MedGen C3279992, MONDO:0013602, OMIM 614165.

Submissions (2):

Ambry Genetics
Classification: Uncertain significance for Hereditary cancer-predisposing syndrome. Last evaluated: 2024-05-23. Review status: criteria provided, single submitter. Criteria: Ambry Variant Classification Scheme 2023. Collection method: clinical testing. Allele origin: germline.
Comment: The p.Q611R variant (also known as c.1832A>G), located in coding exon 14 of the SDHA gene, results from an A to G substitution at nucleotide position 1832. The glutamine at codon 611 is replaced by arginine, an amino acid with highly similar properties. This amino acid position is conserved. In addition, the in silico prediction for this alteration is inconclusive. Based on the available evidence, the clinical significance of this variant remains unclear.

Labcorp Genetics (formerly Invitae), Labcorp
Classification: Uncertain significance for Pheochromocytoma/paraganglioma syndrome 5; Mitochondrial complex II deficiency, nuclear type 1. Last evaluated: 2020-09-05. Review status: criteria provided, single submitter. Criteria: Invitae Variant Classification Sherloc (09022015). Collection method: clinical testing. Allele origin: germline.
Comment: This sequence change replaces glutamine with arginine at codon 611 of the SDHA protein (p.Gln611Arg). The glutamine residue is moderately conserved and there is a small physicochemical difference between glutamine and arginine. This variant is not present in population databases (ExAC no frequency). This variant has not been reported in the literature in individuals with SDHA-related conditions. Advanced modeling of protein sequence and biophysical properties (such as structural, functional, and spatial information, amino acid conservation, physicochemical variation, residue mobility, and thermodynamic stability) performed at Invitae indicates that this missense variant is not expected to disrupt SDHA protein function. In summary, the available evidence is currently insufficient to determine the role of this variant in disease. Therefore, it has been classified as a Variant of Uncertain Significance.